The following is an entry in ClinVar:

ClinVar aggregate classification (germline): Uncertain significance (1 of 4 stars; one submission).

gnomAD v4.1: 1 of 1,611,400 alleles (0.000062%); no homozygotes.

Submission:

Labcorp Genetics (formerly Invitae), Labcorp
Classification: Uncertain significance. Last evaluated: 2022-06-30. Review status: criteria provided, single submitter. Criteria: Invitae Variant Classification Sherloc (09022015). Collection method: clinical testing. Allele origin: germline.
Comment: This variant is not present in population databases (gnomAD no frequency). In summary, the available evidence is currently insufficient to determine the role of this variant in disease. Therefore, it has been classified as a Variant of Uncertain Significance. Algorithms developed to predict the effect of missense changes on protein structure and function are either unavailable or do not agree on the potential impact of this missense change (SIFT: "Not Available"; PolyPhen-2: "Probably Damaging"; Align-GVGD: "Not Available"). This variant has not been reported in the literature in individuals affected with MYO18B-related conditions. This sequence change replaces lysine, which is basic and polar, with asparagine, which is neutral and polar, at codon 1181 of the MYO18B protein (p.Lys1181Asn).

NM_032608.7(MYO18B):c.3543G>T (p.Lys1181Asn)

Gene: MYO18B (myosin XVIIIB; plus strand). Cytogenetic location: 22q12.1.
Variant type: single nucleotide variant.
Coding change: c.3543G>T on transcript NM_032608.7 (MANE Select); coding-DNA position 3543, G replaced by T.
Protein change: p.Lys1181Asn; replaces lysine 1181 with asparagine.
Molecular consequence: missense variant.
Genome position (GRCh38, 1-based): chr22:25,846,274, G>T. VCF-style: chr22-25846274-G-T. GRCh37 (hg19) VCF-style: chr22-26242241-G-T.
Other names: c.3546G>T, p.Lys1182Asn (NM_001318245.2); short protein forms K1181N, K1182N.
Identifiers: ClinVar variation 2012438 (VCV002012438.4), dbSNP rs2517583759, ClinGen allele CA410999521.